The following is an entry in ClinVar:

NM_000540.3(RYR1):c.12449C>T (p.Ser4150Leu)

Gene: RYR1 (ryanodine receptor 1; plus strand). Cytogenetic location: 19q13.2.
Variant type: single nucleotide variant.
Coding change: c.12449C>T on transcript NM_000540.3 (MANE Select); coding-DNA position 12449, C replaced by T.
Protein change: p.Ser4150Leu; replaces serine 4150 with leucine.
Molecular consequence: missense variant.
Genome position (GRCh38, 1-based): chr19:38,561,279, C>T. VCF-style: chr19-38561279-C-T. GRCh37 (hg19) VCF-style: chr19-39051919-C-T.
Other names: c.12434C>T, p.Ser4145Leu (NM_001042723.2); short protein forms S4150L, S4145L.
Identifiers: ClinVar variation 546122 (VCV000546122.2), dbSNP rs143843083, ClinGen allele CA405668978.

ClinVar aggregate classification (germline): Uncertain significance (1 of 4 stars; one submission).

gnomAD v4.1: 4 of 1,614,048 alleles (0.00025%); highest among the groups gnomAD compares: African/African-American, 0.0013%; no homozygotes.

Submission:

GeneDx
Classification: Uncertain significance. Last evaluated: 2018-05-15. Review status: criteria provided, single submitter. Criteria: GeneDx Variant Classification (06012015). Collection method: clinical testing. Allele origin: germline. Affected: yes.
Comment: A variant of uncertain significance has been identified in the RYR1 gene. The S4150L variant has not been published as a pathogenic variant, nor has it been reported as a benign variant to our knowledge. It was not observed in approximately 6,500 individuals of European and African American ancestry in the NHLBI Exome Sequencing Project, indicating it is not a common benign variant in these populations. The S4150L variant is a non-conservative amino acid substitution, which is likely to impact secondary protein structure as these residues differ in polarity, charge, size and/or other properties. This substitution occurs at a position that is conserved across species and in silico analysis predicts this variant is probably damaging to the protein structure/function. However, missense variants in nearby residues have not been reported in Human Gene Mutation Database in association with RYR1-related disorders (Stenson et al., 2014). Therefore, based on the currently available information, it is unclear whether this variant is a pathogenic variant or a rare benign variant.